The following is an entry in ClinVar:

NM_022489.4(INF2):c.510G>A (p.Thr170=)

Gene: INF2 (inverted formin 2; plus strand). Cytogenetic location: 14q32.33.
Variant type: single nucleotide variant.
Coding change: c.510G>A on transcript NM_022489.4 (MANE Select); coding-DNA position 510, G replaced by A.
Protein change: p.Thr170=; no amino-acid change (threonine 170 retained).
Molecular consequence: synonymous variant.
Genome position (GRCh38, 1-based): chr14:104,703,297, G>A. VCF-style: chr14-104703297-G-A. GRCh37 (hg19) VCF-style: chr14-105169634-G-A.
Other names: c.510G>A, p.Thr170= (NM_001031714.4, NM_032714.3).
Identifiers: ClinVar variation 680474 (VCV000680474.16), dbSNP rs750711173, ClinGen allele CA7372323.
Genomic context (GRCh38, chr14:104,703,297, plus strand): 5'-GGGCCTGGGCACATGGGGCTCCCTGCCTGGGTGTGCCCTGACCCCGCCCTCCCCACAGAC[G>A]GTGTGCAGCCAGCAGTACCGCTTCAGCATTGTCATGAACGAGCTCTCCGGCAGCGACAAC-3'
Protein context (NP_071934.3, residues 160-180): LTLDALDHYK[Thr170=]VCSQQYRFSI

ClinVar aggregate classification (germline): Benign/Likely benign. Review status: criteria provided, multiple submitters, no conflicts (2 of 4 stars). 4 submissions from 4 submitters: Benign (1); Likely benign (3). Last evaluated 2025-07-09.

Conditions:
Charcot-Marie-Tooth disease dominant intermediate E. Also called: CHARCOT-MARIE-TOOTH NEUROPATHY WITH FOCAL SEGMENTAL GLOMERULONEPHRITIS. Identifiers: Orphanet 93114, MedGen C4302667, MONDO:0013758, OMIM 614455.
Focal segmental glomerulosclerosis 5 (FSGS5). Identifiers: Orphanet 656, MedGen C2750475, MONDO:0013191, OMIM 613237.

Allele frequency attached by ClinVar (database versions not stated): gnomAD 0.00003 and 0.00004; TOPMed 0.00006; ExAC 0.00009; gnomAD exomes 0.00013.
gnomAD v4.1: 118 of 1,612,936 alleles (0.0073%); highest among the groups gnomAD compares: Non-Finnish European, 0.0028%; no homozygotes.

Submissions (4):

Labcorp Genetics (formerly Invitae), Labcorp
Classification: Benign for Charcot-Marie-Tooth disease dominant intermediate E; Focal segmental glomerulosclerosis 5. Last evaluated: 2025-07-09. Review status: criteria provided, single submitter. Criteria: Invitae Variant Classification Sherloc (09022015). Collection method: clinical testing. Allele origin: germline.

Fulgent Genetics
Classification: Likely benign for Focal segmental glomerulosclerosis 5; Charcot-Marie-Tooth disease dominant intermediate E. Last evaluated: 2022-04-27. Review status: criteria provided, single submitter. Criteria: ACMG Guidelines, 2015. Collection method: clinical testing. Allele origin: unknown.

GeneDx
Classification: Likely benign. Last evaluated: 2018-03-21. Review status: criteria provided, single submitter. Criteria: GeneDx Variant Classification (06012015). Collection method: clinical testing. Allele origin: germline. Affected: yes.
Comment: This variant is considered likely benign or benign based on one or more of the following criteria: it is a conservative change, it occurs at a poorly conserved position in the protein, it is predicted to be benign by multiple in silico algorithms, and/or has population frequency not consistent with disease.

Illumina Laboratory Services, Illumina
Classification: Likely benign for Focal segmental glomerulosclerosis 5. Last evaluated: 2018-01-13. Review status: criteria provided, single submitter. Criteria: ICSL Variant Classification Criteria 13 December 2019. Collection method: clinical testing. Allele origin: germline.
Comment: This variant was observed in the ICSL laboratory as part of a predisposition screen in an ostensibly healthy population. It had not been previously curated by ICSL or reported in the Human Gene Mutation Database (HGMD: prior to June 1st, 2018), and was therefore a candidate for classification through an automated scoring system. Utilizing variant allele frequency, disease prevalence and penetrance estimates, and inheritance mode, an automated score was calculated to assess if this variant is too frequent to cause the disease. Based on the score and internal cut-off values, a variant classified as likely benign is not then subjected to further curation. The score for this variant resulted in a classification of likely benign for this disease.